The following is an entry in ClinVar:

ClinVar aggregate classification (germline): Pathogenic (1 of 4 stars; one submission).

Conditions:
Joubert syndrome. Also called: CEREBELLOPARENCHYMAL DISORDER IV; JOUBERT-BOLTSHAUSER SYNDROME; Familial aplasia of the vermis. Identifiers: Orphanet 475, MedGen C5979921, MONDO:0018772.
Nephronophthisis. Also called: Juvenile Nephronophthisis. Identifiers: Orphanet 655, MedGen C0687120, MONDO:0019005, HP:0000090.
Meckel-Gruber syndrome. Also called: DYSENCEPHALIA SPLANCHNOCYSTICA; GRUBER SYNDROME; Dysencephalia splachnocystica. Identifiers: Orphanet 564, MedGen C0265215, MONDO:0018921.

Submission:

Labcorp Genetics (formerly Invitae), Labcorp
Classification: Pathogenic for Joubert syndrome; Meckel-Gruber syndrome; Nephronophthisis. Last evaluated: 2024-04-02. Review status: criteria provided, single submitter. Criteria: Invitae Variant Classification Sherloc (09022015). Collection method: clinical testing. Allele origin: germline.
Comment: This sequence change creates a premature translational stop signal (p.Asn1550Thrfs*8) in the CEP290 gene. It is expected to result in an absent or disrupted protein product. Loss-of-function variants in CEP290 are known to be pathogenic (PMID: 16909394, 17345604, 20690115). This variant is not present in population databases (gnomAD no frequency). This variant has not been reported in the literature in individuals affected with CEP290-related conditions. ClinVar contains an entry for this variant (Variation ID: 1412801). For these reasons, this variant has been classified as Pathogenic.

Literature cited by the submitters: PubMed 16909394; PubMed 17345604; PubMed 20690115.

NM_025114.4(CEP290):c.4648_4649insCA (p.Asn1550fs)

Gene: CEP290 (centrosomal protein 290; minus strand). Cytogenetic location: 12q21.32.
Variant type: Insertion.
Coding change: c.4648_4649insCA on transcript NM_025114.4 (MANE Select); coding-DNA positions 4648 to 4649, CA inserted.
Protein change: p.Asn1550fs; shifts the reading frame from asparagine 1550.
Molecular consequence: frameshift variant.
Genome position: GRCh38 VCF-style: chr12-88084641-T-TTG. GRCh37 (hg19) VCF-style: chr12-88478418-T-TTG.
Other names: short protein forms N1550fs.
Identifiers: ClinVar variation 1412801 (VCV001412801.6), dbSNP rs2137183334, ClinGen allele CA2573149031.